The following is an entry in ClinVar:

ClinVar aggregate classification (germline): Uncertain significance (1 of 4 stars; one submission).

Conditions:
Werner syndrome (WRN). Identifiers: Orphanet 902, MedGen C0043119, MONDO:0010196, OMIM 277700.

Submission:

Labcorp Genetics (formerly Invitae), Labcorp
Classification: Uncertain significance for Werner syndrome. Last evaluated: 2023-07-26. Review status: criteria provided, single submitter. Criteria: Invitae Variant Classification Sherloc (09022015). Collection method: clinical testing. Allele origin: germline.
Comment: In summary, the available evidence is currently insufficient to determine the role of this variant in disease. Therefore, it has been classified as a Variant of Uncertain Significance. Algorithms developed to predict the effect of sequence changes on RNA splicing suggest that this variant may create or strengthen a splice site. This sequence change falls in intron 21 of the WRN gene. It does not directly change the encoded amino acid sequence of the WRN protein. This variant is not present in population databases (gnomAD no frequency). This variant has not been reported in the literature in individuals affected with WRN-related conditions.

NM_000553.6(WRN):c.2631-5G>T

Gene: WRN (WRN RecQ like helicase; plus strand). Cytogenetic location: 8p12.
Variant type: single nucleotide variant.
Coding change: c.2631-5G>T on transcript NM_000553.6 (MANE Select); 5 bases into the intron before coding-DNA position 2631, G replaced by T.
Molecular consequence: intron variant.
Genome position (GRCh38, 1-based): chr8:31,124,517, G>T. VCF-style: chr8-31124517-G-T. GRCh37 (hg19) VCF-style: chr8-30982033-G-T.
Identifiers: ClinVar variation 2857398 (VCV002857398.3), dbSNP rs1060503818, ClinGen allele CA2739279673.